The following is an entry in ClinVar:

ClinVar aggregate classification (germline): Uncertain significance (1 of 4 stars; one submission).

Conditions:
Neuropathy, hereditary sensory and autonomic, type 2A (HSAN2A). Also called: ACROOSTEOLYSIS, GIACCAI TYPE; ACROOSTEOLYSIS, NEUROGENIC; MORVAN DISEASE; NEUROPATHY, CONGENITAL SENSORY; NEUROPATHY, HEREDITARY SENSORY RADICULAR, AUTOSOMAL RECESSIVE; NEUROPATHY, HEREDITARY SENSORY, TYPE IIA. Identifiers: Orphanet 970, MedGen C2752089, MONDO:0024309, OMIM 201300.
Pseudohypoaldosteronism type 2C (PHA2C). Also called: Pseudohypoaldosteronism Type IIC. Identifiers: Orphanet 757, Orphanet 88940, MedGen C1840391, MONDO:0013778, OMIM 614492.

Submission:

Labcorp Genetics (formerly Invitae), Labcorp
Classification: Uncertain significance for Neuropathy, hereditary sensory and autonomic, type 2A; Pseudohypoaldosteronism type 2C. Last evaluated: 2022-04-20. Review status: criteria provided, single submitter. Criteria: Invitae Variant Classification Sherloc (09022015). Collection method: clinical testing. Allele origin: germline.
Comment: This sequence change replaces valine, which is neutral and non-polar, with alanine, which is neutral and non-polar, at codon 722 of the WNK1 protein (p.Val722Ala). This variant is not present in population databases (gnomAD no frequency). In summary, the available evidence is currently insufficient to determine the role of this variant in disease. Therefore, it has been classified as a Variant of Uncertain Significance. Advanced modeling of protein sequence and biophysical properties (such as structural, functional, and spatial information, amino acid conservation, physicochemical variation, residue mobility, and thermodynamic stability) performed at Invitae indicates that this missense variant is not expected to disrupt WNK1 protein function. This variant has not been reported in the literature in individuals affected with WNK1-related conditions.

NM_213655.5(WNK1):c.2165T>C (p.Val722Ala)

Gene: WNK1 (WNK lysine deficient protein kinase 1; plus strand). Cytogenetic location: 12p13.33.
Variant type: single nucleotide variant.
Coding change: c.2165T>C on transcript NM_213655.5 (MANE Plus Clinical); coding-DNA position 2165, T replaced by C.
Protein change: p.Val722Ala; replaces valine 722 with alanine.
Molecular consequence: missense variant. On other transcripts: intron variant (3).
Genome position (GRCh38, 1-based): chr12:865,135, T>C. VCF-style: chr12-865135-T-C. GRCh37 (hg19) VCF-style: chr12-974301-T-C.
Other names: c.2140-2731T>C (NM_001184985.2); c.2139+2865T>C (NM_018979.4, NM_014823.3); short protein forms V722A.
Identifiers: ClinVar variation 2128339 (VCV002128339.4), dbSNP rs2548721787, ClinGen allele CA383337502.